The following is an entry in ClinVar:

ClinVar aggregate classification (germline): Uncertain significance (1 of 4 stars; one submission).

Submission:

GeneDx
Classification: Uncertain significance. Last evaluated: 2024-08-27. Review status: criteria provided, single submitter. Criteria: GeneDx Variant Classification Process June 2021. Collection method: clinical testing. Allele origin: germline. Affected: yes.
Comment: Not observed at significant frequency in large population cohorts (gnomAD); In silico analysis indicates that this missense variant does not alter protein structure/function; Has not been previously published as pathogenic or benign to our knowledge

NM_020297.4(ABCC9):c.3019G>C (p.Val1007Leu)

Gene: ABCC9 (ATP binding cassette subfamily C member 9; minus strand). Cytogenetic location: 12p12.1.
Variant type: single nucleotide variant.
Coding change: c.3019G>C on transcript NM_020297.4 (MANE Select); coding-DNA position 3019, G replaced by C.
Protein change: p.Val1007Leu; replaces valine 1007 with leucine.
Molecular consequence: missense variant.
Genome position (GRCh38, 1-based): chr12:21,845,680, C>G on the plus strand (G>C on the coding strand, the complement: ABCC9 is on the minus strand). VCF-style: chr12-21845680-C-G. GRCh37 (hg19) VCF-style: chr12-21998614-C-G.
Other names: c.3019G>C, p.Val1007Leu (NM_001377273.1, NM_005691.4); c.2152G>C, p.Val718Leu (NM_001377274.1); short protein forms V1007L, V718L.
Identifiers: ClinVar variation 3765918 (VCV003765918.1).